The following is an entry in ClinVar:

NM_001040716.2(PC):c.1023C>T (p.Asp341=)

Gene: PC (pyruvate carboxylase; minus strand). Cytogenetic location: 11q13.2.
Variant type: single nucleotide variant.
Coding change: c.1023C>T on transcript NM_001040716.2 (MANE Select); coding-DNA position 1023, C replaced by T.
Protein change: p.Asp341=; no amino-acid change (aspartic acid 341 retained).
Molecular consequence: synonymous variant.
Genome position (GRCh38, 1-based): chr11:66,866,349, G>A on the plus strand (C>T on the coding strand, the complement: PC is on the minus strand). VCF-style: chr11-66866349-G-A. GRCh37 (hg19) VCF-style: chr11-66633820-G-A.
Other names: c.1023C>T, p.Asp341= (NM_000920.4, NM_022172.3).
Identifiers: ClinVar variation 2144093 (VCV002144093.1), dbSNP rs745645744, ClinGen allele CA6131999.
Genomic context (GRCh38, chr11:66,866,349, plus strand): 5'-GCCCAGGTCGGGTAGGCTCCTGCCCTCAGCCACGTGGATCTGAGCATGGACCAGGTCTAC[G>A]CTGTAGGGCATTGGGGGGAGGGGGGAAAGGACGGGAGAAAGGGGGAAACATGAGGCGGGG-3'
Protein context (NP_001035806.1, residues 331-351): VEHTVTEEIT[Asp341=]VDLVHAQIHV

ClinVar aggregate classification (germline): Uncertain significance (1 of 4 stars; one submission).

Conditions:
Pyruvate carboxylase deficiency. Also called: Pyruvate Carboxylase Deficiency Disease; LEIGH NECROTIZING ENCEPHALOPATHY DUE TO PYRUVATE CARBOXYLASE DEFICIENCY; LEIGH SYNDROME DUE TO PYRUVATE CARBOXYLASE DEFICIENCY; PC DEFICIENCY; ATAXIA WITH LACTIC ACIDOSIS II. Identifiers: Orphanet 3008, MedGen C0034341, MONDO:0009949, OMIM 266150.

Allele frequency attached by ClinVar (database versions not stated): gnomAD 0.00001; TOPMed 0.00001; ExAC 0.00002; gnomAD exomes 0.00003.
gnomAD v4.1: 40 of 1,609,368 alleles (0.0025%); highest among the groups gnomAD compares: East Asian, 0.034%; no homozygotes.

Submission:

Labcorp Genetics (formerly Invitae), Labcorp
Classification: Uncertain significance for Pyruvate carboxylase deficiency. Last evaluated: 2021-09-30. Review status: criteria provided, single submitter. Criteria: Invitae Variant Classification Sherloc (09022015). Collection method: clinical testing. Allele origin: germline.
Comment: This sequence change affects codon 341 of the PC mRNA. It is a 'silent' change, meaning that it does not change the encoded amino acid sequence of the PC protein. This variant is present in population databases (rs745645744, ExAC 0.006%). This variant has not been reported in the literature in individuals with PC-related conditions. Algorithms developed to predict the effect of sequence changes on RNA splicing suggest that this variant is not likely to affect RNA splicing, but this prediction has not been confirmed by published transcriptional studies. In summary, the available evidence is currently insufficient to determine the role of this variant in disease. Therefore, it has been classified as a Variant of Uncertain Significance.